The following is an entry in ClinVar:

ClinVar aggregate classification (germline): Uncertain significance (1 of 4 stars; one submission).

Conditions:
Hypercholesterolemia, autosomal dominant, 3 (FHCL3). Also called: Familial Hypercholesterolemia, Autosomal Dominant, 3; PCSK9-Related Familial Hypercholesterolemia, Autosomal Dominant; Familial hypercholesterolemia 3. Identifiers: MedGen C1863551, MONDO:0011369, OMIM 603776.

Submission:

All of Us Research Program, National Institutes of Health
Classification: Uncertain significance for Hypercholesterolemia, autosomal dominant, 3. Last evaluated: 2023-09-17. Review status: criteria provided, single submitter. Criteria: ACMG Guidelines, 2015. Collection method: clinical testing. Allele origin: germline. Inheritance: Autosomal dominant inheritance. Observed: 1 variant allele, 1 heterozygote.
Comment: This missense variant replaces arginine with proline at codon 194 of the PCSK9 protein. Computational prediction is inconclusive regarding the impact of this variant on protein structure and function (internally defined REVEL score threshold 0.5 < inconclusive < 0.7, PMID: 27666373). To our knowledge, functional studies have not been reported for this variant. This variant has not been reported in individuals affected with PCSK9-related disorders in the literature. This variant has not been identified in the general population by the Genome Aggregation Database (gnomAD). The available evidence is insufficient to determine the role of this variant in disease conclusively. Therefore, this variant is classified as a Variant of Uncertain Significance.

This study involves interpretation of variants in research participants for the purpose of population health screening. Participant phenotype was not available at the time of variant classification. Additional details can be found in publication PMID: 35346344, PMCID: PMC8962531

NM_174936.4(PCSK9):c.581G>C (p.Arg194Pro)

Gene: PCSK9 (proprotein convertase subtilisin/kexin type 9; plus strand). Cytogenetic location: 1p32.3.
Variant type: single nucleotide variant.
Coding change: c.581G>C on transcript NM_174936.4 (MANE Select); coding-DNA position 581, G replaced by C.
Protein change: p.Arg194Pro; replaces arginine 194 with proline.
Molecular consequence: missense variant. On other transcripts: non-coding transcript variant (8).
Genome position (GRCh38, 1-based): chr1:55,052,335, G>C. VCF-style: chr1-55052335-G-C. GRCh37 (hg19) VCF-style: chr1-55518008-G-C.
Other names: c.704G>C, p.Arg235Pro (NM_001407240.1); c.581G>C, p.Arg194Pro (NM_001407241.1, NM_001407242.1, NM_001407244.1 and 1 more transcripts); c.524G>C, p.Arg175Pro (NM_001407243.1); c.389G>C, p.Arg130Pro (NM_001407245.1); c.206G>C, p.Arg69Pro (NM_001407246.1); short protein forms R130P, R175P, R194P, R235P, R69P.
Identifiers: ClinVar variation 3073454 (VCV003073454.1), dbSNP rs748155397, ClinGen allele CA340473269.
Genomic context (GRCh38, chr1:55,052,335, plus strand): 5'-AAGACGGAGGCAGCCTGGTGGAGGTGTATCTCCTAGACACCAGCATACAGAGTGACCACC[G>C]GGAAATCGAGGGCAGGGTCATGGTCACCGACTTCGAGAATGTGCCCGAGGAGGACGGGAC-3'
Protein context (NP_777596.2, residues 184-204): LLDTSIQSDH[Arg194Pro]EIEGRVMVTD